The following is an entry in ClinVar:

ClinVar aggregate classification (germline): Uncertain significance. Review status: criteria provided, multiple submitters, no conflicts (2 of 4 stars). 2 submissions from 2 submitters: Uncertain significance (2). Last evaluated 2026-05-28.

Conditions:
Hereditary cancer-predisposing syndrome. Also called: Hereditary Cancer Syndrome; Neoplastic Syndromes, Hereditary; Tumor predisposition; Hereditary neoplastic syndrome. Identifiers: Orphanet 140162, MedGen C0027672, MeSH D009386, MONDO:0015356.
Hereditary pheochromocytoma and paraganglioma. Also called: Hereditary Paraganglioma-Pheochromocytoma Syndromes; Hereditary paragangliomas and pheochromocytomas; Hereditary pheochromocytoma-paraganglioma. Identifiers: Orphanet 29072, MedGen C4274332, MONDO:0017366.

Allele frequency attached by ClinVar (database versions not stated): gnomAD exomes below 0.00001.
gnomAD v4.1: 1 of 1,614,142 alleles (0.000062%); highest among the groups gnomAD compares: Non-Finnish European, 0.000085%; no homozygotes.

Submissions (2):

Ambry Genetics
Classification: Uncertain significance for Hereditary cancer-predisposing syndrome. Last evaluated: 2026-05-28. Review status: criteria provided, single submitter. Criteria: Ambry Variant Classification Scheme 2023. Collection method: clinical testing. Allele origin: germline.
Comment: The p.Y73C variant (also known as c.218A>G), located in coding exon 4 of the MAX gene, results from an A to G substitution at nucleotide position 218. The tyrosine at codon 73 is replaced by cysteine, an amino acid with highly dissimilar properties. This amino acid position is highly conserved in available vertebrate species. In addition, this alteration is predicted to be deleterious by in silico analysis. Based on the available evidence, the clinical significance of this variant remains unclear.

Labcorp Genetics (formerly Invitae), Labcorp
Classification: Uncertain significance for Hereditary pheochromocytoma and paraganglioma. Last evaluated: 2025-12-08. Review status: criteria provided, single submitter. Criteria: Invitae Variant Classification Sherloc (09022015). Collection method: clinical testing. Allele origin: germline.
Comment: This sequence change replaces tyrosine, which is neutral and polar, with cysteine, which is neutral and slightly polar, at codon 73 of the MAX protein (p.Tyr73Cys). This variant is not present in population databases (gnomAD no frequency). This variant has not been reported in the literature in individuals affected with MAX-related conditions. ClinVar contains an entry for this variant (Variation ID: 941831). An algorithm developed to predict the effect of missense changes on protein structure and function (PolyPhen-2) suggests that this variant is likely to be disruptive. In summary, the available evidence is currently insufficient to determine the role of this variant in disease. Therefore, it has been classified as a Variant of Uncertain Significance.

NM_002382.5(MAX):c.218A>G (p.Tyr73Cys)

Gene: MAX (MYC associated transcriptional regulator X; minus strand). Cytogenetic location: 14q23.3.
Variant type: single nucleotide variant.
Coding change: c.218A>G on transcript NM_002382.5 (MANE Select); coding-DNA position 218, A replaced by G.
Protein change: p.Tyr73Cys; replaces tyrosine 73 with cysteine.
Molecular consequence: missense variant. On other transcripts: 5 prime UTR variant (1), intron variant (2).
Genome position (GRCh38, 1-based): chr14:65,077,990, T>C on the plus strand (A>G on the coding strand, the complement: MAX is on the minus strand). VCF-style: chr14-65077990-T-C. GRCh37 (hg19) VCF-style: chr14-65544708-T-C.
Other names: c.-57A>G (NM_001320415.2, NM_001407105.1, NM_001407106.1 and 1 more transcripts); c.218A>G, p.Tyr73Cys (NM_001407094.1, NM_001407096.1, NM_001407097.1 and 3 more transcripts); c.191A>G, p.Tyr64Cys (NM_001407095.1, NM_001407099.1, NM_001407100.1 and 6 more transcripts); c.110A>G, p.Tyr37Cys (NM_001407098.1); c.-150A>G (NM_001407111.1, NM_001407112.1); c.144+15718A>G (NM_001271069.2); c.171+15718A>G (NM_197957.4); short protein forms Y73C, Y64C, Y37C.
Identifiers: ClinVar variation 941831 (VCV000941831.11), dbSNP rs2063105092, ClinGen allele CA390035790.